The following is an entry in ClinVar:

ClinVar aggregate classification (germline): Uncertain significance (1 of 4 stars; one submission).

Conditions:
Congenital myasthenic syndrome 4A. Also called: CONGENITAL MYASTHENIC SYNDROME TYPE Ia1; Myasthenic syndrome, congenital, 4a, slow-channel; MYASTHENIC SYNDROME, CONGENITAL, 4A, SLOW-CHANNEL, AUTOSOMAL RECESSIVE. Identifiers: Orphanet 590, MedGen C4225413, MONDO:0011600, OMIM 605809.

Submission:

Labcorp Genetics (formerly Invitae), Labcorp
Classification: Uncertain significance for Congenital myasthenic syndrome 4A. Last evaluated: 2022-05-12. Review status: criteria provided, single submitter. Criteria: Invitae Variant Classification Sherloc (09022015). Collection method: clinical testing. Allele origin: germline.
Comment: This variant, c.647_649dup, results in the insertion of 1 amino acid(s) of the CHRNE protein (p.Arg216dup), but otherwise preserves the integrity of the reading frame. This variant is present in population databases (rs764709459, gnomAD 0.007%). This variant has not been reported in the literature in individuals affected with CHRNE-related conditions. Experimental studies and prediction algorithms are not available or were not evaluated, and the functional significance of this variant is currently unknown. In summary, the available evidence is currently insufficient to determine the role of this variant in disease. Therefore, it has been classified as a Variant of Uncertain Significance.

NM_000080.4(CHRNE):c.644GCC[3] (p.Arg216_His217insArg)

Genes: C17orf107 (chromosome 17 open reading frame 107; plus strand), CHRNE (cholinergic receptor nicotinic epsilon subunit; minus strand). Cytogenetic location: 17p13.2.
Variant type: Microsatellite.
Coding change: c.644GCC[3] on transcript NM_000080.4 (MANE Select); three copies in a row of the 3-base unit GCC starting at c.644; the reference has two copies in a row; one copy, 3 bases duplicated.
Protein change: p.Arg216_His217insArg.
Molecular consequence: inframe insertion. On other transcripts: 3 prime UTR variant (1).
Genome position (GRCh38, 1-based): chr17:4,901,143-4,901,145, GGC duplicated on the plus strand (GCC on the coding strand, the reverse complement: CHRNE is on the minus strand); duplicating any 3 consecutive bases within chr17:4,901,143-4,901,150 gives the same sequence; the position shown is the placement nearest the transcript's 3' end. VCF-style (leftmost placement, unchanged base first): chr17-4901142-T-TGGC. GRCh37 (hg19) VCF-style: chr17-4804437-T-TGGC.
Other names: c.*612CGG[3] (NM_001145536.2).
Identifiers: ClinVar variation 2037801 (VCV002037801.1), dbSNP rs764709459, ClinGen allele CA8314299.
Genomic context (GRCh38, chr17:4,901,142, plus strand): 5'-CGGATGATGAGCGAGTAGATGACGTCAGTCTCCCCTGGGCCGTCGGTGGCGCCACCGTGG[T>TGGC]GGCGGCGGATCACCCCCGGGCAGAAGTCGATGGCCCACTCGCCGTTCTCTGCGGGACGGG-3'